The following is an entry in ClinVar:

NM_002700.3(POU4F3):c.54A>C (p.Glu18Asp)

Genes: POU4F3 (POU class 4 homeobox 3; plus strand), RBM27-POU4F3 (RBM27-POU4F3 readthrough; plus strand). Cytogenetic location: 5q32.
Variant type: single nucleotide variant.
Coding change: c.54A>C on transcript NM_002700.3 (MANE Select); coding-DNA position 54, A replaced by C.
Protein change: p.Glu18Asp; replaces glutamic acid 18 with aspartic acid.
Molecular consequence: missense variant.
Genome position (GRCh38, 1-based): chr5:146,339,166, A>C. VCF-style: chr5-146339166-A-C. GRCh37 (hg19) VCF-style: chr5-145718729-A-C.
Other names: c.2887A>C, p.Thr963Pro (NM_001414499.1); short protein forms E18D, T963P.
Identifiers: ClinVar variation 2293389 (VCV002293389.3), dbSNP rs898774220, ClinGen allele CA128860024.

ClinVar aggregate classification (germline): Uncertain significance. Review status: criteria provided, multiple submitters, no conflicts (2 of 4 stars). 2 submissions from 2 submitters: Uncertain significance (2). Last evaluated 2022-11-02.

Conditions:
POU4F3-related disorder. Also called: POU4F3-related condition.
Inborn genetic diseases. Identifiers: MedGen C0950123, MeSH D030342.

Allele frequency attached by ClinVar (database versions not stated): gnomAD exomes below 0.00001; TOPMed below 0.00001.

Submissions (2):

PreventionGenetics, part of Exact Sciences
Classification: Uncertain significance for POU4F3-related condition. Last evaluated: 2022-11-02. Review status: criteria provided, single submitter. Criteria: ACMG Guidelines, 2015. Collection method: clinical testing. Allele origin: germline.
Comment: The POU4F3 c.54A>C variant is predicted to result in the amino acid substitution p.Glu18Asp. To our knowledge, this variant has not been reported in the literature. This variant is reported in 0.0029% of alleles in individuals of Latino descent in gnomAD. At this time, the clinical significance of this variant is uncertain due to the absence of conclusive functional and genetic evidence.

Ambry Genetics
Classification: Uncertain significance for Inborn genetic diseases. Last evaluated: 2022-05-31. Review status: criteria provided, single submitter. Criteria: Ambry Variant Classification Scheme 2023. Collection method: clinical testing. Allele origin: germline.